The following is an entry in ClinVar:

ClinVar aggregate classification (germline): Conflicting classifications of pathogenicity. Review status: criteria provided, conflicting classifications (1 of 4 stars). 6 submissions from 6 submitters: Uncertain significance (2); Likely benign (4). Last evaluated 2025-07-09.

Conditions:
TTN-related disorder. Also called: TTN-related disorders; TTN-related condition; TTN-related disease.
Cardiovascular phenotype. Identifiers: MedGen CN230736.
Autosomal recessive limb-girdle muscular dystrophy type 2J (LGMDR10). Also called: Limb-girdle muscular dystrophy, type 2J; MUSCULAR DYSTROPHY, LIMB-GIRDLE, AUTOSOMAL RECESSIVE 10. Identifiers: Orphanet 140922, MedGen C1837342, MONDO:0012127, OMIM 608807.
Dilated cardiomyopathy 1G (CMD1G). Identifiers: Orphanet 154, MedGen C1858763, MONDO:0011400, OMIM 604145.

Allele frequency attached by ClinVar (database versions not stated): gnomAD 0.00001; gnomAD exomes 0.00001 and 0.00002; TOPMed 0.00003.
gnomAD v4.1: 32 of 1,613,710 alleles (0.002%); highest among the groups gnomAD compares: East Asian, 0.027%; no homozygotes.

Submissions (6):

Revvity Omics, Revvity
Classification: Uncertain significance. Last evaluated: 2025-07-09. Review status: criteria provided, single submitter. Criteria: ACMG Guidelines, 2015. Collection method: clinical testing. Allele origin: germline.

PreventionGenetics, part of Exact Sciences
Classification: Likely benign for TTN-related condition. Last evaluated: 2025-04-10. Review status: criteria provided, single submitter. Criteria: ACMG Guidelines, 2015. Collection method: clinical testing. Allele origin: germline.
Comment: This variant is classified as likely benign based on ACMG/AMP sequence variant interpretation guidelines (Richards et al. 2015 PMID: 25741868, with internal and published modifications).

Ambry Genetics
Classification: Likely benign for Cardiovascular phenotype. Last evaluated: 2021-11-08. Review status: criteria provided, single submitter. Criteria: Ambry Variant Classification Scheme 2023. Collection method: clinical testing. Allele origin: germline.

Blueprint Genetics
Classification: Likely benign. Last evaluated: 2021-05-25. Review status: criteria provided, single submitter. Criteria: ACMG Guidelines, 2015. Collection method: clinical testing. Allele origin: germline.

GeneDx
Classification: Likely benign. Last evaluated: 2018-08-06. Review status: criteria provided, single submitter. Criteria: GeneDx Variant Classification Process June 2021. Collection method: clinical testing. Allele origin: germline. Affected: yes.

Labcorp Genetics (formerly Invitae), Labcorp
Classification: Uncertain significance for Dilated cardiomyopathy 1G; Autosomal recessive limb-girdle muscular dystrophy type 2J. Last evaluated: 2017-12-11. Review status: criteria provided, single submitter. Criteria: Invitae Variant Classification Sherloc (09022015). Collection method: clinical testing. Allele origin: germline.

NM_001267550.2(TTN):c.7818G>A (p.Ala2606=)

Gene: TTN (titin; minus strand). Cytogenetic location: 2q31.2.
Variant type: single nucleotide variant.
Coding change: c.7818G>A on transcript NM_001267550.2 (MANE Select); coding-DNA position 7818, G replaced by A.
Protein change: p.Ala2606=; no amino-acid change (alanine 2606 retained).
Molecular consequence: synonymous variant.
Genome position (GRCh38, 1-based): chr2:178,773,146, C>T on the plus strand (G>A on the coding strand, the complement: TTN is on the minus strand). VCF-style: chr2-178773146-C-T. GRCh37 (hg19) VCF-style: chr2-179637873-C-T.
Other names: c.7818G>A, p.Ala2606= (NM_001256850.1, NM_133378.4, NM_133379.5); c.7680G>A, p.Ala2560= (NM_003319.4, NM_133432.3, NM_133437.4).
Identifiers: ClinVar variation 388623 (VCV000388623.12), dbSNP rs935809232, ClinGen allele CA16603946.